The following is an entry in ClinVar:

ClinVar aggregate classification (germline): Likely pathogenic (1 of 4 stars; one submission).

Conditions:
Dilated cardiomyopathy 1G (CMD1G). Identifiers: Orphanet 154, MedGen C1858763, MONDO:0011400, OMIM 604145.
Autosomal recessive limb-girdle muscular dystrophy type 2J (LGMDR10). Also called: Limb-girdle muscular dystrophy, type 2J; MUSCULAR DYSTROPHY, LIMB-GIRDLE, AUTOSOMAL RECESSIVE 10. Identifiers: Orphanet 140922, MedGen C1837342, MONDO:0012127, OMIM 608807.

Submission:

Labcorp Genetics (formerly Invitae), Labcorp
Classification: Likely pathogenic for Dilated cardiomyopathy 1G; Autosomal recessive limb-girdle muscular dystrophy type 2J. Last evaluated: 2025-06-10. Review status: criteria provided, single submitter. Criteria: Invitae Variant Classification Sherloc (09022015). Collection method: clinical testing. Allele origin: germline.
Comment: This sequence change creates a premature translational stop signal (p.Glu9417*) in the TTN gene. While this is not anticipated to result in nonsense mediated decay, it is expected to create a truncated TTN protein. This variant is not present in population databases (gnomAD no frequency). This variant has not been reported in the literature in individuals affected with TTN-related conditions. This variant is located in the I band of TTN (PMID: 25589632). Truncating variants in this region have been reported in individuals affected with autosomal recessive centronuclear myopathy (PMID: 23975875, internal data). Truncating variants in this region have also been identified in individuals affected with autosomal dominant dilated cardiomyopathy and/or cardio-related conditions (PMID: 27869827, 32964742, internal data). In summary, the currently available evidence indicates that the variant is pathogenic, but additional data are needed to prove that conclusively. Therefore, this variant has been classified as Likely Pathogenic.

Literature cited by the submitters: PubMed 25589632; PubMed 23975875; PubMed 27869827; PubMed 32964742.

NM_001267550.2(TTN):c.28248dup (p.Glu9417Ter)

Gene: TTN (titin; minus strand). Cytogenetic location: 2q31.2.
Variant type: Duplication.
Coding change: c.28248dup on transcript NM_001267550.2 (MANE Select); coding-DNA position 28248, one base duplicated (T; older notation c.28248dupT).
Protein change: p.Glu9417Ter; replaces glutamic acid 9417 with a stop codon.
Molecular consequence: nonsense. On other transcripts: intron variant (3).
Genome position (GRCh38, 1-based): chr2:178,710,849, A duplicated on the plus strand (T on the coding strand, the reverse complement: TTN is on the minus strand); the first of 3 consecutive A bases (chr2:178,710,849-178,710,851); duplicating any one gives the same sequence. VCF-style (leftmost placement, unchanged base first): chr2-178710848-C-CA. GRCh37 (hg19) VCF-style: chr2-179575575-C-CA.
Other names: c.27297dup, p.Glu9100Ter (NM_001256850.1); c.24516dup, p.Glu8173Ter (NM_133378.4); c.13282+27233dup (NM_003319.4); c.13858+27233dup (NM_133437.4); c.13657+27233dup (NM_133432.3); short protein forms E9100*, E8173*, E9417*.
Identifiers: ClinVar variation 4784243 (VCV004784243.1).